The following is an entry in ClinVar:

NM_005228.5(EGFR):c.1232del (p.Pro411fs)

Gene: EGFR (epidermal growth factor receptor; plus strand). Cytogenetic location: 7p11.2.
Variant type: Deletion.
Coding change: c.1232del on transcript NM_005228.5 (MANE Select); coding-DNA position 1232, one base deleted (C; older notation c.1232delC).
Protein change: p.Pro411fs; shifts the reading frame from proline 411.
Molecular consequence: frameshift variant.
Genome position (GRCh38, 1-based): chr7:55,157,687, C deleted; the last of 2 consecutive C bases (chr7:55,157,686-55,157,687); deleting either gives the same sequence. VCF-style (leftmost placement, unchanged base first): chr7-55157685-GC-G. GRCh37 (hg19) VCF-style: chr7-55225378-GC-G.
Other names: c.1097del, p.Pro366fs (NM_001346897.2, NM_001346899.2); c.1232del, p.Pro411fs (NM_001346898.2, NM_201282.2, NM_201284.2); c.1073del, p.Pro358fs (NM_001346900.2); c.431del, p.Pro144fs (NM_001346941.2); short protein forms P144fs, P366fs, P411fs, P358fs.
Identifiers: ClinVar variation 4826848 (VCV004826848.1).
Genomic context (GRCh38, chr7:55,157,685, plus strand): 5'-ACGTGGTGTGTGTCTGAAGTCTTTCATCTGCCTTACAGGGTTTTTGCTGATTCAGGCTTG[GC>G]CTGAAAACAGGACGGACCTCCATGCCTTTGAGAACCTAGAAATCATACGCGGCAGGACCA-3'

ClinVar aggregate classification (germline): Uncertain significance (1 of 4 stars; one submission).

Conditions:
Hereditary cancer-predisposing syndrome. Also called: Neoplastic Syndromes, Hereditary; Tumor predisposition; Hereditary Cancer Syndrome; Hereditary neoplastic syndrome. Identifiers: Orphanet 140162, MedGen C0027672, MeSH D009386, MONDO:0015356.

Submission:

Ambry Genetics
Classification: Uncertain significance for Hereditary cancer-predisposing syndrome. Last evaluated: 2026-03-06. Review status: criteria provided, single submitter. Criteria: Ambry Variant Classification Scheme 2023. Collection method: clinical testing. Allele origin: germline.
Comment: The c.1232delC variant, located in coding exon 11 of the EGFR gene, results from a deletion of one nucleotide at nucleotide position 1232, causing a translational frameshift with a predicted alternate stop codon (p.P411Lfs*13). This alteration is expected to result in loss of function by premature protein truncation or nonsense-mediated mRNA decay. Although biallelic loss of function of EGFR are known to cause EGFR-related neonatal inflammatory skin and bowel disease, such associations with EGFR-related lung cancer have not been reported. Based on the supporting evidence, this variant is expected to be causative of EGFR-related neonatal inflammatory skin and bowel disease when present along with a second pathogenic variant on the other allele; however, its clinical significance for EGFR-related lung cancer is unclear.